The following is an entry in ClinVar:

ClinVar aggregate classification (germline): Likely pathogenic. Review status: criteria provided, multiple submitters, no conflicts (2 of 4 stars). 2 submissions from 2 submitters: Likely pathogenic (2). Last evaluated 2020-12-23.

Conditions:
CACNA1F-related disorder. Also called: CACNA1F-related condition.

gnomAD v4.1: 1 of 1,202,490 alleles (0.000083%); highest among the groups gnomAD compares: Non-Finnish European, 0.00011%; no homozygotes.

Submissions (2):

Labcorp Genetics (formerly Invitae), Labcorp
Classification: Likely pathogenic. Last evaluated: 2020-12-23. Review status: criteria provided, single submitter. Criteria: Invitae Variant Classification Sherloc (09022015). Collection method: clinical testing. Allele origin: germline.
Comment: Algorithms developed to predict the effect of sequence changes on RNA splicing suggest that this variant may disrupt the consensus splice site, but this prediction has not been confirmed by published transcriptional studies. This variant has not been reported in the literature in individuals with CACNA1F-related conditions. This variant is not present in population databases (ExAC no frequency). This sequence change affects an acceptor splice site in intron 21 of the CACNA1F gene. It is expected to disrupt RNA splicing. Variants that disrupt the donor or acceptor splice site typically lead to a loss of protein function (PMID: 16199547), and loss-of-function variants in CACNA1F are known to be pathogenic (PMID: 9662399, 11281458, 17525176, 22194652, 24124559, 26992781). In summary, the currently available evidence indicates that the variant is pathogenic, but additional data are needed to prove that conclusively. Therefore, this variant has been classified as Likely Pathogenic.

Blueprint Genetics
Classification: Likely pathogenic for CACNA1F-related disorders. Last evaluated: 2020-04-08. Review status: criteria provided, single submitter. Criteria: ACMG Guidelines, 2015. Collection method: clinical testing. Allele origin: germline. Affected: yes. Observed: 1 variant allele.

Literature cited by the submitters: PubMed 16199547 (cited by Labcorp Genetics (formerly Invitae), Labcorp); PubMed 9662399 (cited by Labcorp Genetics (formerly Invitae), Labcorp); PubMed 11281458 (cited by Labcorp Genetics (formerly Invitae), Labcorp); PubMed 17525176 (cited by Labcorp Genetics (formerly Invitae), Labcorp); PubMed 22194652 (cited by Labcorp Genetics (formerly Invitae), Labcorp); PubMed 24124559 (cited by Labcorp Genetics (formerly Invitae), Labcorp); PubMed 26992781 (cited by Labcorp Genetics (formerly Invitae), Labcorp).

NM_001256789.3(CACNA1F):c.2674-2A>G

Gene: CACNA1F (calcium voltage-gated channel subunit alpha1 F; minus strand). Cytogenetic location: Xp11.23.
Variant type: single nucleotide variant.
Coding change: c.2674-2A>G on transcript NM_001256789.3 (MANE Select); the canonical splice acceptor site of the intron before coding-DNA position 2674, A replaced by G.
Molecular consequence: splice acceptor variant.
Genome position (GRCh38, 1-based): chrX:49,218,943, T>C on the plus strand (A>G on the coding strand, the complement: CACNA1F is on the minus strand). VCF-style: chrX-49218943-T-C. GRCh37 (hg19) VCF-style: chrX-49075402-T-C.
Other names: c.2707-2A>G (NM_005183.4); c.2512-2A>G (NM_001256790.3).
Identifiers: ClinVar variation 1502511 (VCV001502511.9), dbSNP rs2147909115, ClinGen allele CA412965149.